The following is an entry in ClinVar:

ClinVar aggregate classification (germline): Likely benign. Review status: criteria provided, multiple submitters, no conflicts (2 of 4 stars). 4 submissions from 4 submitters: Likely benign (3). 1 of the submissions does not count toward it. Last evaluated 2025-12-01.

Conditions:
Oto-palato-digital syndrome, type II (OPD2). Also called: FACIOPALATOOSSEOUS SYNDROME; OPD II SYNDROME; Otopalatodigital Syndrome Type 2 (FLNA-OPD2); Otopalatodigital Syndrome, Type II. Identifiers: Orphanet 669, Orphanet 90652, MedGen C1844696, MONDO:0010571, OMIM 304120.
Heterotopia, periventricular, X-linked dominant (PVNH1). Also called: PERIVENTRICULAR NODULAR HETEROTOPIA 1; X-linked periventricular heterotopia; PERIVENTRICULAR NODULAR HETEROTOPIA 4; HETEROTOPIA, PERIVENTRICULAR, 1. Identifiers: Orphanet 2149, Orphanet 82004, MedGen C1848213, MONDO:0010233, OMIM 300049.
Frontometaphyseal dysplasia (FMD1). Identifiers: Orphanet 1826, MedGen C0265293, MONDO:0015942.
Melnick-Needles syndrome (MNS). Also called: MELNICK-NEEDLES OSTEODYSPLASTY; OSTEODYSPLASTY OF MELNICK AND NEEDLES; Melnick-Needles Syndrome (FLNA-MNS). Identifiers: Orphanet 2484, MedGen C0025237, MONDO:0010650, OMIM 309350.
FLNA-related disorder.
Familial thoracic aortic aneurysm and aortic dissection (TAAD). Also called: Thoracic aortic aneurysms and dissections. Identifiers: Orphanet 91387, MedGen C4707243, MONDO:0019625.

Allele frequency attached by ClinVar (database versions not stated): gnomAD 0.00004; TOPMed 0.00016.
gnomAD v4.1: 6 of 1,208,708 alleles (0.0005%); highest among the groups gnomAD compares: Admixed American, 0.0087%; no homozygotes.

Submissions (4):

Labcorp Genetics (formerly Invitae), Labcorp
Classification: Likely benign for Oto-palato-digital syndrome, type II; Heterotopia, periventricular, X-linked dominant; Frontometaphyseal dysplasia; Melnick-Needles syndrome. Last evaluated: 2025-12-01. Review status: criteria provided, single submitter. Criteria: Invitae Variant Classification Sherloc (09022015). Collection method: clinical testing. Allele origin: germline.

Ambry Genetics
Classification: Likely benign for Familial thoracic aortic aneurysm and aortic dissection. Last evaluated: 2022-04-25. Review status: criteria provided, single submitter. Criteria: Ambry Variant Classification Scheme 2023. Collection method: clinical testing. Allele origin: germline.

GeneDx
Classification: Likely benign. Last evaluated: 2018-06-21. Review status: criteria provided, single submitter. Criteria: GeneDx Variant Classification Process June 2021. Collection method: clinical testing. Allele origin: germline. Affected: yes.

PreventionGenetics, part of Exact Sciences
Classification: Likely benign for FLNA-related condition. Last evaluated: 2021-08-16. Review status: no assertion criteria provided. Collection method: clinical testing. Allele origin: germline. Not counted in ClinVar's aggregate classification.
Comment: This variant is classified as likely benign based on ACMG/AMP sequence variant interpretation guidelines (Richards et al. 2015 PMID: 25741868, with internal and published modifications).

NM_001110556.2(FLNA):c.7776G>C (p.Val2592=)

Genes: FLNA (filamin A; minus strand), LOC107988032 (Xq28 proximal FLNA-EMD recombination region; plus strand). Cytogenetic location: Xq28.
Variant type: single nucleotide variant.
Coding change: c.7776G>C on transcript NM_001110556.2 (MANE Select); coding-DNA position 7776, G replaced by C.
Protein change: p.Val2592=; no amino-acid change (valine 2592 retained).
Molecular consequence: synonymous variant.
Genome position (GRCh38, 1-based): chrX:154,349,017, C>G on the plus strand (G>C on the coding strand, the complement: FLNA is on the minus strand). VCF-style: chrX-154349017-C-G. GRCh37 (hg19) VCF-style: chrX-153577385-C-G.
Other names: c.7776G>C (NM_001110556.1); c.7752G>C, p.Val2584= (NM_001456.4).
Identifiers: ClinVar variation 386095 (VCV000386095.15), dbSNP rs369380495, ClinGen allele CA10559828.
Genomic context (GRCh38, chrX:154,349,017, plus strand): 5'-CCGGCTGCCCACGTGCTTCACCAGGATCTCCTCGCAGGGGGTCCTTGGGCCATGAACCCC[C>G]ACCAGCAGCATGTTGTTGCCTGAGGCAAGAGGGGTCCTCAGTCCCAGGTCCCAGCCCCCT-3'
Protein context (NP_001104026.1, residues 2582-2602): CSKAGNNMLL[Val2592=]GVHGPRTPCE